The following is an entry in ClinVar:

ClinVar aggregate classification (germline): Uncertain significance (1 of 4 stars; one submission).

Conditions:
Vertebral hypersegmentation and orofacial anomalies. Identifiers: MedGen C5436851, MONDO:0030871, OMIM 619122.

Submission:

MVZ Medizinische Genetik Mainz
Classification: Uncertain significance for Vertebral hypersegmentation and orofacial anomalies. Last evaluated: 2021-09-08. Review status: criteria provided, single submitter. Criteria: UK Practice Guidelines For Variant Classification V4 01 2020. Collection method: clinical testing. Allele origin: germline. Inheritance: Autosomal dominant inheritance. Affected: yes. Observed: 1 variant allele.
Comment: ACMG Criteria: PVS1_MOD, PM2_SUP

NM_005811.5(GDF11):c.303dup (p.Gln102fs)

Gene: GDF11 (growth differentiation factor 11; plus strand). Cytogenetic location: 12q13.2.
Variant type: Duplication.
Coding change: c.303dup on transcript NM_005811.5 (MANE Select); coding-DNA position 303, one base duplicated (G; older notation c.303dupG).
Protein change: p.Gln102fs; shifts the reading frame from glutamine 102.
Molecular consequence: frameshift variant.
Genome position (GRCh38, 1-based): chr12:55,743,619, G duplicated. VCF-style (leftmost placement, unchanged base first): chr12-55743618-A-AG. GRCh37 (hg19) VCF-style: chr12-56137402-A-AG.
Other names: short protein forms Q102fs.
Identifiers: ClinVar variation 3066247 (VCV003066247.1), dbSNP rs2540202961, ClinGen allele CA2740097992.